The following is an entry in ClinVar:

ClinVar aggregate classification (germline): Pathogenic (1 of 4 stars; one submission).

Conditions:
Methylcobalamin deficiency type cblE (HMAE). Also called: HOMOCYSTINURIA-MEGALOBLASTIC ANEMIA, cblE COMPLEMENTATION TYPE; VITAMIN B12-RESPONSIVE HOMOCYSTINURIA, cblE TYPE; HOMOCYSTINURIA-MEGALOBLASTIC ANEMIA, cblE TYPE. Identifiers: Orphanet 2169, Orphanet 622, MedGen C1856057, MONDO:0009354, OMIM 236270.

Submission:

Labcorp Genetics (formerly Invitae), Labcorp
Classification: Pathogenic for Methylcobalamin deficiency type cblE. Last evaluated: 2022-04-30. Review status: criteria provided, single submitter. Criteria: Invitae Variant Classification Sherloc (09022015). Collection method: clinical testing. Allele origin: germline.
Comment: This variant is not present in population databases (gnomAD no frequency). This variant has not been reported in the literature in individuals affected with MTRR-related conditions. For these reasons, this variant has been classified as Pathogenic. This sequence change creates a premature translational stop signal (p.Pro272Glnfs*19) in the MTRR gene. It is expected to result in an absent or disrupted protein product. Loss-of-function variants in MTRR are known to be pathogenic (PMID: 15714522).

Literature cited by the submitters: PubMed 15714522.

NM_002454.3(MTRR):c.815del (p.Pro272fs)

Gene: MTRR (5-methyltetrahydrofolate-homocysteine methyltransferase reductase; plus strand). Cytogenetic location: 5p15.31.
Variant type: Deletion.
Coding change: c.815del on transcript NM_002454.3 (MANE Select); coding-DNA position 815, one base deleted (C; older notation c.815delC).
Protein change: p.Pro272fs; shifts the reading frame from proline 272.
Molecular consequence: frameshift variant. On other transcripts: non-coding transcript variant (14).
Genome position (GRCh38, 1-based): chr5:7,883,189, C deleted; the last of 2 consecutive C bases (chr5:7,883,188-7,883,189); deleting either gives the same sequence. VCF-style (leftmost placement, unchanged base first): chr5-7883187-TC-T. GRCh37 (hg19) VCF-style: chr5-7883300-TC-T.
Other names: c.815del, p.Pro272fs (NM_001364440.2, NM_001364441.2, NM_001364442.2 and 1 more transcripts); short protein forms P272fs.
Identifiers: ClinVar variation 1453171 (VCV001453171.6), dbSNP rs2126727585, ClinGen allele CA2573139608.